The following is an entry in ClinVar:

ClinVar aggregate classification (germline): Likely pathogenic (1 of 4 stars; one submission).

Conditions:
Neurofibromatosis, type 1 (NF1). Also called: Peripheral type neurofibromatosis; VON RECKLINGHAUSEN DISEASE; NEUROFIBROMATOSIS, TYPE I, SOMATIC; Neurofibromatosis, type I. Identifiers: Orphanet 636, MedGen C0027831, MONDO:0018975, OMIM 162200. Disease mechanism: loss of function.

Submission:

Labcorp Genetics (formerly Invitae), Labcorp
Classification: Likely pathogenic for Neurofibromatosis, type 1. Last evaluated: 2021-12-19. Review status: criteria provided, single submitter. Criteria: Invitae Variant Classification Sherloc (09022015). Collection method: clinical testing. Allele origin: germline.
Comment: In summary, the currently available evidence indicates that the variant is pathogenic, but additional data are needed to prove that conclusively. Therefore, this variant has been classified as Likely Pathogenic. This variant has not been reported in the literature in individuals affected with NF1-related conditions. This variant results in a copy number gain of the genomic region encompassing exon(s) 2-4 of the NF1 gene. While the exact position of this variant cannot be determined from the data, sub-genic copy number gains are generally in tandem (PMID: 25640679). This variant is predicted to be out-of-frame, and may result in an absent or disrupted protein product. Loss-of-function variants in NF1 are known to be pathogenic (PMID: 10712197, 23913538).

Literature cited by the submitters: PubMed 25640679; PubMed 10712197; PubMed 23913538.

NC_000017.10:g.(?_29475515)_(29490414_?)dup

Gene: NF1 (neurofibromin 1; plus strand). Cytogenetic location: 17q11.2.
Variant type: Duplication.
Identifiers: ClinVar variation 2422735 (VCV002422735.3).